The following is an entry in ClinVar:

ClinVar aggregate classification (germline): Uncertain significance (1 of 4 stars; one submission).

Submission:

GeneDx
Classification: Uncertain significance. Last evaluated: 2023-07-25. Review status: criteria provided, single submitter. Criteria: GeneDx Variant Classification Process June 2021. Collection method: clinical testing. Allele origin: germline. Affected: yes.
Comment: Not observed at significant frequency in large population cohorts (gnomAD); In silico analysis supports that this missense variant has a deleterious effect on protein structure/function; Has not been previously published as pathogenic or benign to our knowledge

NM_001128840.3(CACNA1D):c.4291G>A (p.Glu1431Lys)

Gene: CACNA1D (calcium voltage-gated channel subunit alpha1 D; plus strand). Cytogenetic location: 3p21.1.
Variant type: single nucleotide variant.
Coding change: c.4291G>A on transcript NM_001128840.3 (MANE Select); coding-DNA position 4291, G replaced by A.
Protein change: p.Glu1431Lys; replaces glutamic acid 1431 with lysine.
Molecular consequence: missense variant.
Genome position (GRCh38, 1-based): chr3:53,775,974, G>A. VCF-style: chr3-53775974-G-A. GRCh37 (hg19) VCF-style: chr3-53810001-G-A.
Other names: c.4351G>A, p.Glu1451Lys (NM_000720.4); c.4246G>A, p.Glu1416Lys (NM_001128839.3); short protein forms E1416K, E1431K, E1451K.
Identifiers: ClinVar variation 3361497 (VCV003361497.1).
Genomic context (GRCh38, chr3:53,775,974, plus strand): 5'-ATCATGCTGGCCTGTCTCCCAGGGAAGCTCTGTGACCCTGAGTCAGATTACAACCCCGGG[G>A]AGGAGTATACATGTGGGAGCAACTTTGCCATTGTCTATTTCATCAGTTTTTACATGCTCT-3'
Protein context (NP_001122312.1, residues 1421-1441): CDPESDYNPG[Glu1431Lys]EYTCGSNFAI